The following is an entry in ClinVar:

ClinVar aggregate classification (germline): Uncertain significance. Review status: criteria provided, multiple submitters, no conflicts (2 of 4 stars). 2 submissions from 2 submitters: Uncertain significance (2). Last evaluated 2026-07-11.

Conditions:
Inborn genetic diseases. Identifiers: MedGen C0950123, MeSH D030342.
DYRK1B-related disorder. Also called: DYRK1B-related condition.

gnomAD v4.1: 77 of 1,614,070 alleles (0.0048%); highest among the groups gnomAD compares: Non-Finnish European, 0.0059%; no homozygotes.

Submissions (2):

PreventionGenetics, part of Exact Sciences
Classification: Uncertain significance for DYRK1B-related condition. Last evaluated: 2026-07-11. Review status: criteria provided, single submitter. Criteria: ACMG Guidelines, 2015. Collection method: clinical testing. Allele origin: germline.
Comment: The DYRK1B c.283G>A variant is predicted to result in the amino acid substitution p.Asp95Asn. To our knowledge, this variant has not been reported in the literature. This variant is reported in 0.0080% of alleles in individuals of African descent in gnomAD. At this time, the clinical significance of this variant is uncertain due to the absence of conclusive functional and genetic evidence.

Ambry Genetics
Classification: Uncertain significance for Inborn genetic diseases. Last evaluated: 2025-10-07. Review status: criteria provided, single submitter. Criteria: Ambry Variant Classification Scheme 2023. Collection method: clinical testing. Allele origin: germline.

NM_004714.3(DYRK1B):c.283G>A (p.Asp95Asn)

Gene: DYRK1B (dual specificity tyrosine phosphorylation regulated kinase 1B; minus strand). Cytogenetic location: 19q13.2.
Variant type: single nucleotide variant.
Coding change: c.283G>A on transcript NM_004714.3 (MANE Select); coding-DNA position 283, G replaced by A.
Protein change: p.Asp95Asn; replaces aspartic acid 95 with asparagine.
Molecular consequence: missense variant.
Genome position (GRCh38, 1-based): chr19:39,830,464, C>T on the plus strand (G>A on the coding strand, the complement: DYRK1B is on the minus strand). VCF-style: chr19-39830464-C-T. GRCh37 (hg19) VCF-style: chr19-40321104-C-T.
Other names: c.283G>A, p.Asp95Asn (NM_006483.3, NM_006484.3); c.283G>A (NM_004714.2); short protein forms D95N.
Identifiers: ClinVar variation 4618177 (VCV004618177.2).